The following is an entry in ClinVar:

ClinVar aggregate classification (germline): Likely benign. Review status: criteria provided, multiple submitters, no conflicts (2 of 4 stars). 4 submissions from 4 submitters: Likely benign (3). 1 of the submissions does not count toward it. Last evaluated 2025-08-06.

Conditions:
SMARCA2-related disorder. Also called: SMARCA2-related condition.

Allele frequency attached by ClinVar (database versions not stated): gnomAD 0.00003; TOPMed 0.00007; ESP Exome Variant Server 0.00008; ExAC 0.00009; 1000 Genomes Project 30x 0.00016; 1000 Genomes Project 0.00020.
gnomAD v4.1: 68 of 1,613,962 alleles (0.0042%); highest among the groups gnomAD compares: South Asian, 0.048%; no homozygotes.

Submissions (4):

Labcorp Genetics (formerly Invitae), Labcorp
Classification: Likely benign. Last evaluated: 2025-08-06. Review status: criteria provided, single submitter. Criteria: Invitae Variant Classification Sherloc (09022015). Collection method: clinical testing. Allele origin: germline.

Blueprint Genetics
Classification: Likely benign. Last evaluated: 2024-10-29. Review status: criteria provided, single submitter. Criteria: ACMG Guidelines, 2015. Collection method: clinical testing. Allele origin: germline.

CeGaT Center for Human Genetics Tuebingen
Classification: Likely benign. Last evaluated: 2023-11-01. Review status: criteria provided, single submitter. Criteria: CeGaT Center For Human Genetics Tuebingen Variant Classification Criteria Version 2. Collection method: clinical testing. Allele origin: germline. Affected: yes. Observed: 1 variant allele.
Comment: SMARCA2: BP4, BP7

PreventionGenetics, part of Exact Sciences
Classification: Likely benign for SMARCA2-related condition. Last evaluated: 2019-04-10. Review status: no assertion criteria provided. Collection method: clinical testing. Allele origin: germline. Not counted in ClinVar's aggregate classification.
Comment: This variant is classified as likely benign based on ACMG/AMP sequence variant interpretation guidelines (Richards et al. 2015 PMID: 25741868, with internal and published modifications).

NM_003070.5(SMARCA2):c.2232C>T (p.Asn744=)

Gene: SMARCA2 (SWI/SNF related BAF chromatin remodeling complex subunit ATPase 2; plus strand). Cytogenetic location: 9p24.3.
Variant type: single nucleotide variant.
Coding change: c.2232C>T on transcript NM_003070.5 (MANE Select); coding-DNA position 2232, C replaced by T.
Protein change: p.Asn744=; no amino-acid change (asparagine 744 retained).
Molecular consequence: synonymous variant.
Genome position (GRCh38, 1-based): chr9:2,081,879, C>T. VCF-style: chr9-2081879-C-T. GRCh37 (hg19) VCF-style: chr9-2081879-C-T.
Other names: c.2232C>T, p.Asn744= (NM_001289396.2, NM_001289397.2, NM_139045.4).
Identifiers: ClinVar variation 1981114 (VCV001981114.28), dbSNP rs149169822, ClinGen allele CA4963426.
Genomic context (GRCh38, chr9:2,081,879, plus strand): 5'-CTCTTCATTTCAGCTCCAGGGCCTGGAATGGATGGTTTCCCTGTATAATAACAACTTGAA[C>T]GGAATCTTAGCCGATGAAATGGGGCTTGGAAAGACCATACAGACCATTGCACTCATCACT-3'
Protein context (NP_003061.3, residues 734-754): WMVSLYNNNL[Asn744=]GILADEMGLG